The following is an entry in ClinVar:

NM_001164496.2(CFAP44):c.2716-8T>C

Genes: CFAP44 (cilia and flagella associated protein 44; minus strand), SPICE1-CFAP44 (SPICE1-CFAP44 readthrough (NMD candidate); minus strand). Cytogenetic location: 3q13.2.
Variant type: single nucleotide variant.
Coding change: c.2716-8T>C on transcript NM_001164496.2 (MANE Select); 8 bases into the intron before coding-DNA position 2716, T replaced by C.
Molecular consequence: intron variant.
Genome position (GRCh38, 1-based): chr3:113,363,540, A>G on the plus strand (T>C on the coding strand, the complement: CFAP44 is on the minus strand). VCF-style: chr3-113363540-A-G. GRCh37 (hg19) VCF-style: chr3-113082387-A-G.
Other names: c.2716-8T>C (NM_018338.3).
Identifiers: ClinVar variation 3046196 (VCV003046196.2), dbSNP rs769077379, ClinGen allele CA2543829.

ClinVar aggregate classification (germline): Likely benign (0 of 4 stars; one submission).

Conditions:
CFAP44-related disorder. Also called: CFAP44-related condition.

Allele frequency attached by ClinVar (database versions not stated): ExAC 0.00001; gnomAD 0.00002; TOPMed 0.00002.
gnomAD v4.1: 29 of 1,604,244 alleles (0.0018%); highest among the groups gnomAD compares: Middle Eastern, 0.017%; no homozygotes.

Submission:

PreventionGenetics, part of Exact Sciences
Classification: Likely benign for CFAP44-related condition. Last evaluated: 2019-11-13. Review status: no assertion criteria provided. Collection method: clinical testing. Allele origin: germline.
Comment: This variant is classified as likely benign based on ACMG/AMP sequence variant interpretation guidelines (Richards et al. 2015 PMID: 25741868, with internal and published modifications).